The following is an entry in ClinVar:

ClinVar aggregate classification (germline): Uncertain significance. Review status: criteria provided, single submitter (1 of 4 stars). 2 submissions from 2 submitters: Uncertain significance (1). 1 of the submissions does not count toward it. Last evaluated 2021-09-02.

Conditions:
Nemaline myopathy 2 (NEM2). Also called: Nemaline myopathy 2, autosomal recessive. Identifiers: MedGen C1850569, MONDO:0009725, OMIM 256030.

gnomAD v4.1: 7 of 1,613,920 alleles (0.00043%); highest among the groups gnomAD compares: Non-Finnish European, 0.00059%; no homozygotes.

Submissions (2):

Labcorp Genetics (formerly Invitae), Labcorp
Classification: Uncertain significance for Nemaline myopathy 2. Last evaluated: 2021-09-02. Review status: criteria provided, single submitter. Criteria: Invitae Variant Classification Sherloc (09022015). Collection method: clinical testing. Allele origin: germline.
Comment: This sequence change replaces histidine with asparagine at codon 680 of the NEB protein (p.His680Asn). The histidine residue is moderately conserved and there is a small physicochemical difference between histidine and asparagine. This variant is not present in population databases (ExAC no frequency). This variant has not been reported in the literature in individuals affected with NEB-related conditions. Algorithms developed to predict the effect of missense changes on protein structure and function are either unavailable or do not agree on the potential impact of this missense change (SIFT: "Deleterious"; PolyPhen-2: "Not Available"; Align-GVGD: "Class C0"). In summary, the available evidence is currently insufficient to determine the role of this variant in disease. Therefore, it has been classified as a Variant of Uncertain Significance.

Natera, Inc.
Classification: Uncertain significance for Nemaline myopathy type 2. Last evaluated: 2020-09-25. Review status: no assertion criteria provided. Collection method: clinical testing. Allele origin: germline. Not counted in ClinVar's aggregate classification.

NM_001164508.2(NEB):c.2038C>A (p.His680Asn)

Gene: NEB (nebulin; minus strand). Cytogenetic location: 2q23.3.
Variant type: single nucleotide variant.
Coding change: c.2038C>A on transcript NM_001164508.2 (MANE Select); coding-DNA position 2038, C replaced by A.
Protein change: p.His680Asn; replaces histidine 680 with asparagine.
Molecular consequence: missense variant.
Genome position (GRCh38, 1-based): chr2:151,692,127, G>T on the plus strand (C>A on the coding strand, the complement: NEB is on the minus strand). VCF-style: chr2-151692127-G-T. GRCh37 (hg19) VCF-style: chr2-152548641-G-T.
Other names: c.2038C>A, p.His680Asn (NM_001164507.2, NM_001271208.2, NM_004543.5); short protein forms H680N.
Identifiers: ClinVar variation 1047376 (VCV001047376.10), dbSNP rs773702715, ClinGen allele CA348823934.